The following is an entry in ClinVar:

NM_000260.4(MYO7A):c.1935G>A (p.Met645Ile)

Gene: MYO7A (myosin VIIA; plus strand). Cytogenetic location: 11q13.5.
Variant type: single nucleotide variant.
Coding change: c.1935G>A on transcript NM_000260.4 (MANE Select); coding-DNA position 1935, G replaced by A.
Protein change: p.Met645Ile; replaces methionine 645 with isoleucine.
Molecular consequence: missense variant.
Genome position (GRCh38, 1-based): chr11:77,172,885, G>A. VCF-style: chr11-77172885-G-A. GRCh37 (hg19) VCF-style: chr11-76883931-G-A.
Other names: c.1935G>A, p.Met645Ile (NM_001127180.2); c.1902G>A, p.Met634Ile (NM_001369365.1); short protein forms M634I, M645I.
Identifiers: ClinVar variation 3721073 (VCV003721073.2).

ClinVar aggregate classification (germline): Pathogenic (1 of 4 stars; one submission).

Submission:

Labcorp Genetics (formerly Invitae), Labcorp
Classification: Pathogenic. Last evaluated: 2024-12-24. Review status: criteria provided, single submitter. Criteria: Invitae Variant Classification Sherloc (09022015). Collection method: clinical testing. Allele origin: germline.
Comment: This sequence change replaces methionine, which is neutral and non-polar, with isoleucine, which is neutral and non-polar, at codon 645 of the MYO7A protein (p.Met645Ile). RNA analysis indicates that this missense change induces altered splicing and likely results in a shortened protein product. This variant is not present in population databases (gnomAD no frequency). This missense change has been observed in individuals with autosomal recessive MYO7A-related conditions (PMID: 21031134, 33576163). It has also been observed to segregate with disease in related individuals. An algorithm developed to predict the effect of missense changes on protein structure and function (PolyPhen-2) suggests that this variant is likely to be tolerated. Variants that disrupt the consensus splice site are a relatively common cause of aberrant splicing (PMID: 17576681, 9536098). Studies have shown that this missense change results in skipping of exon 16, but is expected to preserve the integrity of the reading-frame (PMID: 21031134). For these reasons, this variant has been classified as Pathogenic.

Literature cited by the submitters: PubMed 21031134; PubMed 33576163; PubMed 17576681; PubMed 9536098.